The following is an entry in ClinVar:

ClinVar aggregate classification (germline): Benign/Likely benign. Review status: criteria provided, multiple submitters, no conflicts (2 of 4 stars). 6 submissions from 6 submitters: Benign (5); Likely benign (1). Last evaluated 2026-05-11.

Conditions:
3M syndrome 2. Also called: 3-M Syndrome, OBSL1-Related; THREE M SYNDROME 2. Identifiers: Orphanet 2616, MedGen C2752041, MONDO:0013039, OMIM 612921.

Allele frequency attached by ClinVar (database versions not stated): gnomAD exomes 0.00629 and 0.00647; TOPMed 0.00442; gnomAD 0.00484 and 0.00466; ExAC 0.00637; 1000 Genomes Project 30x 0.00453; 1000 Genomes Project 0.00479; ESP Exome Variant Server 0.00533.
gnomAD v4.1: 10,036 of 1,613,984 alleles (0.62%); highest among the groups gnomAD compares: South Asian, 2%; 70 homozygotes.

Submissions (6):

Women's Health and Genetics/Laboratory Corporation of America, LabCorp
Classification: Likely benign. Last evaluated: 2026-05-11. Review status: criteria provided, single submitter. Criteria: LabCorp Variant Classification Summary - May 2015. Collection method: clinical testing. Allele origin: germline.

Labcorp Genetics (formerly Invitae), Labcorp
Classification: Benign. Last evaluated: 2026-02-01. Review status: criteria provided, single submitter. Criteria: Invitae Variant Classification Sherloc (09022015). Collection method: clinical testing. Allele origin: germline.

Illumina Laboratory Services, Illumina
Classification: Benign for 3M syndrome 2. Last evaluated: 2018-01-13. Review status: criteria provided, single submitter. Criteria: ICSL Variant Classification Criteria 13 December 2019. Collection method: clinical testing. Allele origin: germline.
Comment: This variant was observed in the ICSL laboratory as part of a predisposition screen in an ostensibly healthy population. It had not been previously curated by ICSL or reported in the Human Gene Mutation Database (HGMD: prior to June 1st, 2018), and was therefore a candidate for classification through an automated scoring system. Utilizing variant allele frequency, disease prevalence and penetrance estimates, and inheritance mode, an automated score was calculated to assess if this variant is too frequent to cause the disease. Based on the score and internal cut-off values, a variant classified as benign is not then subjected to further curation. The score for this variant resulted in a classification of benign for this disease.

Center for Pediatric Genomic Medicine, Children's Mercy Hospital and Clinics
Classification: Benign. Last evaluated: 2015-12-21. Review status: criteria provided, single submitter. Criteria: ACMG Guidelines, 2015. Collection method: clinical testing. Allele origin: germline.

Eurofins Ntd Llc (ga)
Classification: Benign. Last evaluated: 2015-06-15. Review status: criteria provided, single submitter. Criteria: EGL Classification Definitions 2015. Collection method: clinical testing. Allele origin: germline. Observed: 1 variant allele, 1 heterozygote.

Breakthrough Genomics
Classification: Benign. Review status: criteria provided, single submitter. Criteria: ACMG Guidelines, 2015. Collection method: not provided. Allele origin: germline. Inheritance: Autosomal recessive inheritance. Affected: yes.

NM_015311.3(OBSL1):c.4192G>A (p.Val1398Ile)

Gene: OBSL1 (obscurin like cytoskeletal adaptor 1; minus strand). Cytogenetic location: 2q35.
Variant type: single nucleotide variant.
Coding change: c.4192G>A on transcript NM_015311.3 (MANE Select); coding-DNA position 4192, G replaced by A.
Protein change: p.Val1398Ile; replaces valine 1398 with isoleucine.
Molecular consequence: missense variant.
Genome position (GRCh38, 1-based): chr2:219,556,598, C>T on the plus strand (G>A on the coding strand, the complement: OBSL1 is on the minus strand). VCF-style: chr2-219556598-C-T. GRCh37 (hg19) VCF-style: chr2-220421320-C-T.
Other names: c.4192G>A, p.Val1398Ile (NM_001173431.2); short protein forms V1398I.
Identifiers: ClinVar variation 235404 (VCV000235404.22), dbSNP rs147543583, ClinGen allele CA2130634.